The following is an entry in ClinVar:

ClinVar aggregate classification (germline): Uncertain significance (1 of 4 stars; one submission).

Conditions:
Immunodeficiency. Identifiers: MedGen C0021051, MONDO:0021094, HP:0002721.

gnomAD v4.1: 10 of 1,571,504 alleles (0.00064%); highest among the groups gnomAD compares: Admixed American, 0.0053%; no homozygotes.

Submission:

Labcorp Genetics (formerly Invitae), Labcorp
Classification: Uncertain significance for Immunodeficiency. Last evaluated: 2025-11-24. Review status: criteria provided, single submitter. Criteria: Invitae Variant Classification Sherloc (09022015). Collection method: clinical testing. Allele origin: germline.
Comment: This sequence change replaces alanine, which is neutral and non-polar, with valine, which is neutral and non-polar, at codon 174 of the NFAT5 protein (p.Ala174Val). This variant is present in population databases (rs775167040, gnomAD 0.01%). This variant has not been reported in the literature in individuals affected with NFAT5-related conditions. An algorithm developed to predict the effect of missense changes on protein structure and function (PolyPhen-2) suggests that this variant is likely to be disruptive. In summary, the available evidence is currently insufficient to determine the role of this variant in disease. Therefore, it has been classified as a Variant of Uncertain Significance.

NM_138713.4(NFAT5):c.803C>T (p.Ala268Val)

Gene: NFAT5 (nuclear factor of activated T cells 5; plus strand). Cytogenetic location: 16q22.1.
Variant type: single nucleotide variant.
Coding change: c.803C>T on transcript NM_138713.4 (MANE Select); coding-DNA position 803, C replaced by T.
Protein change: p.Ala268Val; replaces alanine 268 with valine.
Molecular consequence: missense variant. On other transcripts: intron variant (1).
Genome position (GRCh38, 1-based): chr16:69,647,577, C>T. VCF-style: chr16-69647577-C-T. GRCh37 (hg19) VCF-style: chr16-69681480-C-T.
Other names: c.803C>T, p.Ala268Val (NM_001113178.3); c.749C>T, p.Ala250Val (NM_006599.4); c.521C>T, p.Ala174Val (NM_138714.4, NM_173214.3, NM_173215.3); c.140+410C>T (NM_001367709.1); short protein forms A174V, A268V, A250V.
Identifiers: ClinVar variation 4743591 (VCV004743591.1).